The following is an entry in ClinVar:

NM_007294.4(BRCA1):c.547+14G>A

Gene: BRCA1 (BRCA1 DNA repair associated; minus strand). Cytogenetic location: 17q21.31.
Variant type: single nucleotide variant.
Coding change: c.547+14G>A on transcript NM_007294.4 (MANE Select); 14 bases into the intron after coding-DNA position 547, G replaced by A.
Molecular consequence: intron variant.
Genome position (GRCh38, 1-based): chr17:43,099,761, C>T on the plus strand (G>A on the coding strand, the complement: BRCA1 is on the minus strand). VCF-style: chr17-43099761-C-T. GRCh37 (hg19) VCF-style: chr17-41251778-C-T.
Other names: c.406+14G>A (NM_001408458.1, NM_001407922.1, NM_001408469.1 and 61 more transcripts); c.-218-4901G>A (NM_001407967.1, NM_001407966.1); c.166+14G>A (NM_001407959.1, NM_001408512.1, NM_001408510.1 and 3 more transcripts); c.403+14G>A (NM_001407931.1, NM_001407747.1, NM_001408470.1 and 35 more transcripts); c.163+14G>A (NM_001407962.1); c.337+14G>A (NM_001407885.1, NM_001407886.1, NM_001407881.1 and 37 more transcripts); c.544+14G>A (NM_001407686.1, NM_001408397.1, NM_001407632.1 and 65 more transcripts); c.547+14G>A (NM_001408436.1, NM_001407665.1, NM_001407980.1 and 96 more transcripts); and 5 more.
Identifiers: ClinVar variation 379002 (VCV000379002.14), dbSNP rs932782447, ClinGen allele CA16608461.

ClinVar aggregate classification (germline): Likely benign. Review status: criteria provided, multiple submitters, no conflicts (2 of 4 stars). 3 submissions from 3 submitters: Likely benign (3). Last evaluated 2026-01-05.

Conditions:
Hereditary breast ovarian cancer syndrome. Also called: Hereditary breast and/or ovarian cancer syndrome; Hereditary breast and ovarian cancer syndrome; Hereditary breast and ovarian cancer syndrome (HBOC); Hereditary breast and ovarian cancer; BRCA1- and BRCA2-Associated Hereditary Breast and Ovarian Cancer; Breast and ovarian cancer. Identifiers: Orphanet 145, MedGen C0677776, MeSH D061325, MONDO:0003582. Disease mechanism: loss of function.

Submissions (3):

Labcorp Genetics (formerly Invitae), Labcorp
Classification: Likely benign for Hereditary breast ovarian cancer syndrome. Last evaluated: 2026-01-05. Review status: criteria provided, single submitter. Criteria: Invitae Variant Classification Sherloc (09022015). Collection method: clinical testing. Allele origin: germline.

Women's Health and Genetics/Laboratory Corporation of America, LabCorp
Classification: Likely benign. Last evaluated: 2024-12-11. Review status: criteria provided, single submitter. Criteria: LabCorp Variant Classification Summary - May 2015. Collection method: clinical testing. Allele origin: germline.

GeneDx
Classification: Likely benign. Last evaluated: 2016-04-27. Review status: criteria provided, single submitter. Criteria: GeneDx Variant Classification (06012015). Collection method: clinical testing. Allele origin: germline. Affected: yes.
Comment: This variant is considered likely benign or benign based on one or more of the following criteria: it is a conservative change, it occurs at a poorly conserved position in the protein, it is predicted to be benign by multiple in silico algorithms, and/or has population frequency not consistent with disease.